The following is an entry in ClinVar:

NM_032119.4(ADGRV1):c.16273A>G (p.Asn5425Asp)

Gene: ADGRV1 (adhesion G protein-coupled receptor V1; plus strand). Cytogenetic location: 5q14.3.
Variant type: single nucleotide variant.
Coding change: c.16273A>G on transcript NM_032119.4 (MANE Select); coding-DNA position 16273, A replaced by G.
Protein change: p.Asn5425Asp; replaces asparagine 5425 with aspartic acid.
Molecular consequence: missense variant. On other transcripts: non-coding transcript variant (1).
Genome position (GRCh38, 1-based): chr5:90,823,501, A>G. VCF-style: chr5-90823501-A-G. GRCh37 (hg19) VCF-style: chr5-90119318-A-G.
Other names: c.16273A>G (NM_032119.3); short protein forms N5425D.
Identifiers: ClinVar variation 3011829 (VCV003011829.5), dbSNP rs764133411, ClinGen allele CA3342104.
Genomic context (GRCh38, chr5:90,823,501, plus strand): 5'-AAGGTCTTTTGGCGAGTCACACTTAACAAAACAGTCGTCGTGCTCCAGAAGGATGGGGTA[A>G]ACCTGGTGGAGGAACTTCAGTCTGTGTCAGGGACCACAACCTGTACAATGGGTCAAACAA-3'
Protein context (NP_115495.3, residues 5415-5435): TVVVLQKDGV[Asn5425Asp]LVEELQSVSG

ClinVar aggregate classification (germline): Conflicting classifications of pathogenicity. Review status: criteria provided, conflicting classifications (1 of 4 stars). 3 submissions from 3 submitters: Uncertain significance (2); Benign (1). Last evaluated 2026-06-17.

Conditions:
ADGRV1-related disorder. Also called: ADGRV1-related condition; ADGRV1-related disorders.

Allele frequency attached by ClinVar (database versions not stated): TOPMed below 0.00001; ExAC 0.00001; gnomAD 0.00001.
gnomAD v4.1: 6 of 1,613,866 alleles (0.00037%); highest among the groups gnomAD compares: Admixed American, 0.0067%; no homozygotes.

Submissions (3):

PreventionGenetics, part of Exact Sciences
Classification: Uncertain significance for ADGRV1-related condition. Last evaluated: 2026-06-17. Review status: criteria provided, single submitter. Criteria: ACMG Guidelines, 2015. Collection method: clinical testing. Allele origin: germline.
Comment: The ADGRV1 c.16273A>G variant is predicted to result in the amino acid substitution p.Asn5425Asp. This variant was reported in an individual with retinal dystrophy (Mihalich et al. 2024. PubMed ID: 38927702). This variant is reported in 0.0087% of alleles in individuals of Latino descent in gnomAD. At this time, the clinical significance of this variant is uncertain due to the absence of conclusive functional and genetic evidence.

Labcorp Genetics (formerly Invitae), Labcorp
Classification: Benign. Last evaluated: 2025-06-24. Review status: criteria provided, single submitter. Criteria: Invitae Variant Classification Sherloc (09022015). Collection method: clinical testing. Allele origin: germline.

GeneDx
Classification: Uncertain significance. Last evaluated: 2023-08-21. Review status: criteria provided, single submitter. Criteria: GeneDx Variant Classification Process June 2021. Collection method: clinical testing. Allele origin: germline. Affected: yes.
Comment: In silico analysis supports that this missense variant does not alter protein structure/function; Has not been previously published as pathogenic or benign to our knowledge